The following is an entry in ClinVar:

ClinVar aggregate classification (germline): Uncertain significance. Review status: criteria provided, multiple submitters, no conflicts (2 of 4 stars). 2 submissions from 2 submitters: Uncertain significance (2). Last evaluated 2026-06-15.

Conditions:
Inborn genetic diseases. Identifiers: MedGen C0950123, MeSH D030342.
Deafness-lymphedema-leukemia syndrome. Also called: Emberger syndrome; Lymphedema, primary, with myelodysplasia. Identifiers: Orphanet 3226, MedGen C3279664, MONDO:0013540, OMIM 614038.
Monocytopenia with susceptibility to infections. Also called: MONOCYTOPENIA AND MYCOBACTERIAL INFECTION SYNDROME; MONOCYTOPENIA WITH SUSCEPTIBILITY TO MYCOBACTERIAL, FUNGAL, AND PAPILLOMAVIRUS INFECTIONS AND MYELODYSPLASIA; COMBINED IMMUNODEFICIENCY WITH SUSCEPTIBILITY TO MYCOBACTERIAL, VIRAL, AND FUNGAL INFECTIONS; Dendritic cell, monocyte, B lymphocyte, and natural killer lymphocyte deficiency; GATA2 DEFICIENCY; IMMUNODEFICIENCY 21. Identifiers: Orphanet 228423, MedGen C3280030, MONDO:0013607, OMIM 614172.

Submissions (2):

Ambry Genetics
Classification: Uncertain significance for Inborn genetic diseases. Last evaluated: 2026-06-15. Review status: criteria provided, single submitter. Criteria: Ambry Variant Classification Scheme 2023. Collection method: clinical testing. Allele origin: germline.

Labcorp Genetics (formerly Invitae), Labcorp
Classification: Uncertain significance for Monocytopenia with susceptibility to infections; Deafness-lymphedema-leukemia syndrome. Last evaluated: 2019-11-27. Review status: criteria provided, single submitter. Criteria: Invitae Variant Classification Sherloc (09022015). Collection method: clinical testing. Allele origin: germline.
Comment: In summary, the available evidence is currently insufficient to determine the role of this variant in disease. Therefore, it has been classified as a Variant of Uncertain Significance. Algorithms developed to predict the effect of missense changes on protein structure and function are either unavailable or do not agree on the potential impact of this missense change (SIFT: "Deleterious"; PolyPhen-2: "Benign"; Align-GVGD: "Class C0"). This variant has not been reported in the literature in individuals with GATA2-related conditions. This variant is not present in population databases (ExAC no frequency). This sequence change replaces histidine with glutamine at codon 13 of the GATA2 protein (p.His13Gln). The histidine residue is highly conserved and there is a small physicochemical difference between histidine and glutamine.

NM_032638.5(GATA2):c.39C>A (p.His13Gln)

Gene: GATA2 (GATA binding protein 2; minus strand). Cytogenetic location: 3q21.3.
Variant type: single nucleotide variant.
Coding change: c.39C>A on transcript NM_032638.5 (MANE Select); coding-DNA position 39, C replaced by A.
Protein change: p.His13Gln; replaces histidine 13 with glutamine.
Molecular consequence: missense variant.
Genome position (GRCh38, 1-based): chr3:128,486,993, G>T on the plus strand (C>A on the coding strand, the complement: GATA2 is on the minus strand). VCF-style: chr3-128486993-G-T. GRCh37 (hg19) VCF-style: chr3-128205836-G-T.
Other names: c.39C>A, p.His13Gln (NM_001145661.2, NM_001145662.1); short protein forms H13Q.
Identifiers: ClinVar variation 845878 (VCV000845878.10), dbSNP rs2068711214, ClinGen allele CA354409185.
Genomic context (GRCh38, chr3:128,486,993, plus strand): 5'-GTAGTTGTGCGCCAGGCCCGGGTGGTGTGAGTCGGGGTGCTGCGCATTCAGCACGGCCGG[G>T]TGCGCCATCCAGCGCGGCTGCTCGGGCGCCACCTCCATGGCCGGCGGCGGCGGCTCAGGG-3'
Protein context (NP_116027.2, residues 3-23): VAPEQPRWMA[His13Gln]PAVLNAQHPD